The following is an entry in ClinVar:

NM_004329.3(BMPR1A):c.1157A>C (p.Lys386Thr)

Gene: BMPR1A (bone morphogenetic protein receptor type 1A; plus strand). Cytogenetic location: 10q23.2.
Variant type: single nucleotide variant.
Coding change: c.1157A>C on transcript NM_004329.3 (MANE Select); coding-DNA position 1157, A replaced by C.
Protein change: p.Lys386Thr; replaces lysine 386 with threonine.
Molecular consequence: missense variant.
Genome position (GRCh38, 1-based): chr10:86,919,460, A>C. VCF-style: chr10-86919460-A-C. GRCh37 (hg19) VCF-style: chr10-88679217-A-C.
Other names: short protein forms K386T.
Identifiers: ClinVar variation 1051849 (VCV001051849.14), dbSNP rs2133594262, ClinGen allele CA377461310.

ClinVar aggregate classification (germline): Uncertain significance. Review status: criteria provided, multiple submitters, no conflicts (2 of 4 stars). 4 submissions from 4 submitters: Uncertain significance (4). Last evaluated 2025-02-23.

Conditions:
Juvenile polyposis syndrome (JPS). Identifiers: Orphanet 2929, MedGen C0345893, MONDO:0017380, OMIM 174900.
Hereditary cancer-predisposing syndrome. Also called: Hereditary Cancer Syndrome; Tumor predisposition; Hereditary neoplastic syndrome; Neoplastic Syndromes, Hereditary. Identifiers: Orphanet 140162, MedGen C0027672, MeSH D009386, MONDO:0015356.

Allele frequency attached by ClinVar (database versions not stated): gnomAD exomes below 0.00001.
gnomAD v4.1: 4 of 1,613,480 alleles (0.00025%); highest among the groups gnomAD compares: Non-Finnish European, 0.00034%; no homozygotes.

Submissions (4):

Color Diagnostics, LLC DBA Color Health
Classification: Uncertain significance for Hereditary cancer-predisposing syndrome. Last evaluated: 2025-02-23. Review status: criteria provided, single submitter. Criteria: ACMG Guidelines, 2015. Collection method: clinical testing. Allele origin: germline.
Comment: This missense variant replaces lysine with threonine at codon 386 of the BMPR1A protein. Computational prediction is inconclusive regarding the impact of this variant on protein structure and function (internally defined REVEL score threshold 0.5 < inconclusive < 0.7, PMID: 27666373). To our knowledge, functional studies have not been reported for this variant. This variant has not been reported in individuals affected with BMPR1A-related disorders in the literature. This variant has not been identified in the general population by the Genome Aggregation Database (gnomAD). The available evidence is insufficient to determine the role of this variant in disease conclusively. Therefore, this variant is classified as a Variant of Uncertain Significance.

Labcorp Genetics (formerly Invitae), Labcorp
Classification: Uncertain significance for Juvenile polyposis syndrome. Last evaluated: 2025-01-27. Review status: criteria provided, single submitter. Criteria: Invitae Variant Classification Sherloc (09022015). Collection method: clinical testing. Allele origin: germline.
Comment: This sequence change replaces lysine, which is basic and polar, with threonine, which is neutral and polar, at codon 386 of the BMPR1A protein (p.Lys386Thr). This variant is not present in population databases (gnomAD no frequency). This variant has not been reported in the literature in individuals affected with BMPR1A-related conditions. ClinVar contains an entry for this variant (Variation ID: 1051849). Invitae Evidence Modeling of protein sequence and biophysical properties (such as structural, functional, and spatial information, amino acid conservation, physicochemical variation, residue mobility, and thermodynamic stability) has been performed for this missense variant. However, the output from this modeling did not meet the statistical confidence thresholds required to predict the impact of this variant on BMPR1A protein function. In summary, the available evidence is currently insufficient to determine the role of this variant in disease. Therefore, it has been classified as a Variant of Uncertain Significance.

Ambry Genetics
Classification: Uncertain significance for Hereditary cancer-predisposing syndrome. Last evaluated: 2024-07-29. Review status: criteria provided, single submitter. Criteria: Ambry Variant Classification Scheme 2023. Collection method: clinical testing. Allele origin: germline.
Comment: The p.K386T variant (also known as c.1157A>C), located in coding exon 8 of the BMPR1A gene, results from an A to C substitution at nucleotide position 1157. The lysine at codon 386 is replaced by threonine, an amino acid with similar properties. This amino acid position is highly conserved in available vertebrate species. In addition, this alteration is predicted to be deleterious by in silico analysis. Since supporting evidence is limited at this time, the clinical significance of this alteration remains unclear.

All of Us Research Program, National Institutes of Health
Classification: Uncertain significance for Juvenile polyposis syndrome. Last evaluated: 2023-08-15. Review status: criteria provided, single submitter. Criteria: ACMG Guidelines, 2015. Collection method: clinical testing. Allele origin: germline. Inheritance: Autosomal dominant inheritance. Observed: 1 variant allele, 1 heterozygote.
Comment: This missense variant replaces lysine with threonine at codon 386 of the BMPR1A protein. Computational prediction is inconclusive regarding the impact of this variant on protein structure and function (internally defined REVEL score threshold 0.5 < inconclusive < 0.7, PMID: 27666373). To our knowledge, functional studies have not been reported for this variant. This variant has not been reported in individuals affected with BMPR1A-related disorders in the literature. This variant has not been identified in the general population by the Genome Aggregation Database (gnomAD). The available evidence is insufficient to determine the role of this variant in disease conclusively. Therefore, this variant is classified as a Variant of Uncertain Significance.

This study involves interpretation of variants in research participants for the purpose of population health screening. Participant phenotype was not available at the time of variant classification. Additional details can be found in publication PMID: 35346344, PMCID: PMC8962531